The following is an entry in ClinVar:

NM_001130987.2(DYSF):c.5626G>A (p.Asp1876Asn)

Gene: DYSF (dysferlin; plus strand). Cytogenetic location: 2p13.2.
Variant type: single nucleotide variant.
Coding change: c.5626G>A on transcript NM_001130987.2 (MANE Select); coding-DNA position 5626, G replaced by A.
Protein change: p.Asp1876Asn; replaces aspartic acid 1876 with asparagine.
Molecular consequence: missense variant.
Genome position (GRCh38, 1-based): chr2:71,669,191, G>A. VCF-style: chr2-71669191-G-A. GRCh37 (hg19) VCF-style: chr2-71896321-G-A.
Other names: NM_001130987.2(DYSF):c.5626G>A; p.Asp1876Asn; c.5512G>A, p.Asp1838Asn (NM_001130455.2); c.5467G>A, p.Asp1823Asn (NM_001130976.2); c.5530G>A, p.Asp1844Asn (NM_001130977.2); c.5572G>A, p.Asp1858Asn (NM_001130978.2); c.5602G>A, p.Asp1868Asn (NM_001130979.2); c.5560G>A, p.Asp1854Asn (NM_001130980.2); and 7 more; short protein forms D1837N, D1858N, D1876N, D1823N, D1824N, D1845N, D1875N, D1844N.
Identifiers: ClinVar variation 94340 (VCV000094340.60), dbSNP rs398123794, ClinGen allele CA222190.

ClinVar aggregate classification (germline): Pathogenic. Review status: reviewed by expert panel (3 of 4 stars). 13 submissions from 13 submitters: Pathogenic (1). 12 of the submissions do not count toward it. Last evaluated 2025-07-29.

Conditions:
DYSF-related disorder. Also called: DYSF-related disorders; DYSF-related condition.
Miyoshi muscular dystrophy 1 (MMD1). Identifiers: Orphanet 45448, MedGen C4551973, MONDO:0024545, OMIM 254130.
Autosomal recessive limb-girdle muscular dystrophy type 2B (LGMDR2). Also called: MUSCULAR DYSTROPHY, LIMB-GIRDLE, TYPE 3; Limb-Girdle Muscular Dystrophy Type 2B (LGMD2B); MUSCULAR DYSTROPHY, LIMB-GIRDLE, AUTOSOMAL RECESSIVE 2; Limb-girdle muscular dystrophy, type 2B. Identifiers: Orphanet 268, MedGen C1850889, MONDO:0009676, OMIM 253601.
Distal myopathy with anterior tibial onset. Identifiers: Orphanet 178400, MedGen C1847532, MONDO:0011721, OMIM 606768.
Autosomal recessive limb-girdle muscular dystrophy. Identifiers: Orphanet 102015, MedGen C2931907, MONDO:0015152.
Neuromuscular disease caused by qualitative or quantitative defects of dysferlin. Also called: Qualitative or quantitative defects of dysferlin; Dysferlinopathy. Identifiers: Orphanet 207073, MedGen C2931687, MONDO:0016145.

Allele frequency attached by ClinVar (database versions not stated): ExAC 0.00003; gnomAD exomes 0.00001.
gnomAD v4.1: 17 of 1,608,280 alleles (0.0011%); highest among the groups gnomAD compares: East Asian, 0.0089%; no homozygotes.

Submissions (13):

ClinGen Limb Girdle Muscular Dystrophy Variant Curation Expert Panel, ClinGen
Classification: Pathogenic for Autosomal recessive limb-girdle muscular dystrophy. Last evaluated: 2025-07-29. Review status: reviewed by expert panel. Criteria: ClinGen LGMD VCEP ACMG Specifications DYSF V1.0.0. Collection method: curation. Allele origin: germline. Inheritance: Autosomal recessive inheritance.
Comment: The NM_003494.4: c.5509G>A variant in DYSF, which is also known as NM_001130987.2: c.5626G>A p.(Asp1876Asn), is a missense variant predicted to cause substitution of aspartic acid by asparagine at amino acid 1837, p.(Asp1837Asn). This variant has been reported in at least five unrelated individuals with features consistent with LGMD (PMID: 36983702, 22194990, 18853459, 11257469), including in a homozygous state in at least one patient without reported familial consanguinity (0.5 pts, PMID: 11257469), confirmed in trans with a pathogenic variant in one patient (NM_003494.4: c.855+1del, 1.0 pt, PMID: 18853459), and in unknown phase with a pathogenic variant in one patient (NM_003494.4: c.6124C>T p.(Arg2042Cys), 0.5 pts, PMID: 36983702) (PM3_Strong). At least one patient with this variant and a second presumed diagnostic DYSF variant displayed progressive limb girdle muscle weakness and absent dysferlin protein expression in skeletal muscle (PMID: 22194990, 18853459; PP4_Strong). The variant was also shown to co-segregate with the LGMD phenotype in three affected members of a non-consanguineous Japanese family (PMID: 11257469; PP1 (capped with PP4_Strong)). The filtering allele frequency of this variant in gnomAD v4.1.0 exomes is 0.000231 (the upper threshold of the 95% CI of (4/39626 East Asian chromosomes), which is greater than the ClinGen LGMD VCEP threshold for PM2_Supporting (≤0.0001) (criterion not met). The computational predictor REVEL gives a score of 0.82, which is above the LGMD VCEP threshold of 0.70, evidence that correlates with impact to DYSF function (PP3). Immunofluorescence and 2-A assays of dysferlin membrane localization in HEK293T cells showed the Asp1837Asn protein did not reach the cell membrane, indicating an impact on protein function (PMID: 35028538) (PS3_Moderate). In summary, this variant meets the criteria to be classified as Pathogenic for autosomal recessive limb girdle muscular dystrophy based on the ACMG/AMP criteria applied, as specified by the ClinGen LGMD VCEP (LGMD VCEP specifications version 1.0.0; 07/29/2025): PM3_Strong, PP4_Strong, PP1, PS3_Moderate, PP1.

Dasa
Classification: Pathogenic. Last evaluated: 2026-01-03. Review status: criteria provided, single submitter. Criteria: DASA Assertion Criteria. Collection method: clinical testing. Allele origin: germline. Not counted in ClinVar's aggregate classification.
Comment: NM_001130987.2(DYSF):c.5626G>A (p.Asp1876Asn) is a missense variant that results in the substitution of aspartic acid with asparagine. Segregation evidence has been reported in affected families. This variant has been observed in affected individuals with related phenotype in a genotype context consistent with recessive disease (PMID: 36983702; PMID: 22194990; PMID: 18853459; PMID: 11257469; PMID: 35028538). Functional evidence supports a deleterious effect on the gene or gene product (PMID: 36983702; PMID: 22194990; PMID: 18853459; PMID: 11257469; PMID: 35028538). This variant has been recurrently observed in individuals with related phenotype (PMID: 36983702; PMID: 22194990; PMID: 18853459; PMID: 11257469; PMID: 35028538). Multiple computational predictions support a deleterious effect on the gene or gene product. The variant is present at low frequency in population datasets. Based on the available data, this variant is classified as pathogenic.

Natera, Inc.
Classification: Pathogenic for Limb-girdle muscular dystrophy type 2B. Last evaluated: 2025-08-25. Review status: criteria provided, single submitter. Criteria: Natera Variant Classification Schema (03/2026). Collection method: clinical testing. Allele origin: germline. Not counted in ClinVar's aggregate classification.
Comment: The c.5509G>A variant in DYSF is a missense variant predicted to cause substitution of aspartic acid to asparagine at amino acid 1837. This variant is rare in the general population with a frequency below the threshold expected for the associated phenotype(s). This variant has been observed in one or more individuals affected with the associated recessive disease, as either homozygous or compound heterozygous with a second variant (PMID: 27647186, 17070050). Given the available evidence, this variant is classified as Pathogenic.

3billion
Classification: Pathogenic for DYSF-related disorder. Last evaluated: 2024-12-18. Review status: criteria provided, single submitter. Criteria: ACMG Guidelines, 2015. Collection method: clinical testing. Allele origin: germline. Affected: yes. Not counted in ClinVar's aggregate classification.
Comment: The variant is observed at an extremely low frequency in the gnomAD v4.1.0 dataset (total allele frequency: 0.001%). Predicted Consequence/Location: Missense variant. The majority of the known disease-causing variants of this gene are variants expected to result in premature termination of the protein. In silico tool predictions suggest damaging effect of the variant on gene or gene product [REVEL: 0.82 (>=0.6, sensitivity 0.68 and specificity 0.92); 3Cnet: 0.99 (>=0.6, sensitivity 0.72 and precision 0.9)]. The same nucleotide change resulting in the same amino acid change has been previously reported as pathogenic/likely pathogenic with strong evidence (ClinVar ID: VCV000094340). The variant has been reported to be in trans with a pathogenic variant as either compound heterozygous or homozygous in at least one similarly affected unrelated individual (PMID: 11257469, 22194990). The variant has been reported to co-segregate with the disease in at least 3 similarly affected relatives/individuals in the same family or similarly affected unrelated family (PMID: 11257469). Different missense changes at the same codon (p.Asp1876His, p.Asp1876Tyr) have been reported to be associated with DYSF-related disorder (ClinVar ID: VCV002885593 /PMID: 12767493). Therefore, this variant is classified as Pathogenic according to the recommendation of ACMG/AMP guideline.

Revvity Omics, Revvity
Classification: Pathogenic. Last evaluated: 2024-07-01. Review status: criteria provided, single submitter. Criteria: ACMG Guidelines, 2015. Collection method: clinical testing. Allele origin: germline. Not counted in ClinVar's aggregate classification.

Fulgent Genetics
Classification: Pathogenic for Autosomal recessive limb-girdle muscular dystrophy type 2B; Miyoshi muscular dystrophy 1; Distal myopathy with anterior tibial onset. Last evaluated: 2024-03-23. Review status: criteria provided, single submitter. Criteria: ACMG Guidelines, 2015. Collection method: clinical testing. Allele origin: germline. Not counted in ClinVar's aggregate classification.

Baylor Genetics
Classification: Pathogenic for Miyoshi muscular dystrophy 1. Last evaluated: 2024-02-27. Review status: criteria provided, single submitter. Criteria: ACMG Guidelines, 2015. Collection method: clinical testing. Allele origin: unknown. Not counted in ClinVar's aggregate classification.

Labcorp Genetics (formerly Invitae), Labcorp
Classification: Pathogenic for Neuromuscular disease caused by qualitative or quantitative defects of dysferlin. Last evaluated: 2024-02-24. Review status: criteria provided, single submitter. Criteria: Invitae Variant Classification Sherloc (09022015). Collection method: clinical testing. Allele origin: germline. Not counted in ClinVar's aggregate classification.
Comment: This sequence change replaces aspartic acid, which is acidic and polar, with asparagine, which is neutral and polar, at codon 1837 of the DYSF protein (p.Asp1837Asn). The frequency data for this variant in the population databases is considered unreliable, as metrics indicate poor data quality at this position in the gnomAD database. This missense change has been observed in individual(s) with DYSF-related conditions (PMID: 11257469, 22194990). In at least one individual the data is consistent with being in trans (on the opposite chromosome) from a pathogenic variant. ClinVar contains an entry for this variant (Variation ID: 94340). Advanced modeling of protein sequence and biophysical properties (such as structural, functional, and spatial information, amino acid conservation, physicochemical variation, residue mobility, and thermodynamic stability) performed at Invitae indicates that this missense variant is expected to disrupt DYSF protein function with a positive predictive value of 95%. For these reasons, this variant has been classified as Pathogenic.

Kariminejad - Najmabadi Pathology & Genetics Center
Classification: Likely pathogenic for Miyoshi muscular dystrophy 1; Autosomal recessive limb-girdle muscular dystrophy type 2B; Distal myopathy with anterior tibial onset. Last evaluated: 2024-01-10. Review status: criteria provided, single submitter. Criteria: ACMG Guidelines, 2015. Collection method: clinical testing. Allele origin: germline. Inheritance: Autosomal recessive inheritance. Affected: yes. Not counted in ClinVar's aggregate classification.
Comment: PP5, PM5, PP3, PM1, PM2

Blueprint Genetics
Classification: Pathogenic for DYSF-related disorders. Last evaluated: 2021-02-05. Review status: criteria provided, single submitter. Criteria: ACMG Guidelines, 2015. Collection method: clinical testing. Allele origin: germline. Affected: yes. Observed: 1 variant allele. Not counted in ClinVar's aggregate classification.

Eurofins Ntd Llc (ga)
Classification: Pathogenic. Last evaluated: 2017-01-26. Review status: criteria provided, single submitter. Criteria: EGL Classification Definitions. Collection method: clinical testing. Allele origin: germline. Observed: 3 variant alleles, 3 heterozygotes. Not counted in ClinVar's aggregate classification.

Juno Genomics, Hangzhou Juno Genomics, Inc
Classification: Pathogenic for Miyoshi muscular dystrophy 1; Autosomal recessive limb-girdle muscular dystrophy type 2B; Distal myopathy with anterior tibial onset. Review status: criteria provided, single submitter. Criteria: ACMG Guidelines, 2015. Collection method: clinical testing. Allele origin: germline. Not counted in ClinVar's aggregate classification.
Comment: Absent from controls (or at extremely low frequency if recessive) in Genome Aggregation Database.;Multiple lines of computational evidence support a deleterious effect on the gene or gene product.;For recessive disorders, detected in trans with a pathogenic variant.;Co-segregation with disease in multiple affected family members.

Counsyl
Classification: Pathogenic for Autosomal recessive limb-girdle muscular dystrophy type 2B. Last evaluated: 2018-05-03. Review status: no assertion criteria provided. Collection method: clinical testing. Allele origin: unknown. Not counted in ClinVar's aggregate classification.

Literature cited by the submitters: PubMed 36983702 (cited by Dasa); PubMed 22194990 (cited by 3 submitters); PubMed 18853459 (cited by Dasa and Counsyl); PubMed 11257469 (cited by 3 submitters); PubMed 35028538 (cited by Dasa); PubMed 27647186 (cited by Natera, Inc. and Counsyl); PubMed 17070050 (cited by Natera, Inc. and Counsyl); PubMed 12767493 (cited by 3billion); PubMed 16100712 (cited by Counsyl); PubMed 21522182 (cited by Counsyl); PubMed 27666772 (cited by Counsyl); PubMed 26088049 (cited by Counsyl).